The following is an entry in ClinVar:

ClinVar aggregate classification (germline): Uncertain significance. Review status: criteria provided, multiple submitters, no conflicts (2 of 4 stars). 2 submissions from 2 submitters: Uncertain significance (2). Last evaluated 2025-01-19.

Conditions:
Fanconi anemia (FA). Also called: Fanconi's anemia. Identifiers: Orphanet 84, MedGen C0015625, MeSH D005199, MONDO:0019391.
Inborn genetic diseases. Identifiers: MedGen C0950123, MeSH D030342.

Allele frequency attached by ClinVar (database versions not stated): gnomAD exomes below 0.00001.
gnomAD v4.1: 1 of 1,613,876 alleles (0.000062%); highest among the groups gnomAD compares: Non-Finnish European, 0.000085%; no homozygotes.

Submissions (2):

Ambry Genetics
Classification: Uncertain significance for Inborn genetic diseases. Last evaluated: 2025-01-19. Review status: criteria provided, single submitter. Criteria: Ambry Variant Classification Scheme 2023. Collection method: clinical testing. Allele origin: germline.
Comment: The p.F993L variant (also known as c.2979T>G), located in coding exon 14 of the FANCM gene, results from a T to G substitution at nucleotide position 2979. The phenylalanine at codon 993 is replaced by leucine, an amino acid with highly similar properties. This amino acid position is conserved. In addition, this alteration is predicted to be tolerated by in silico analysis. Based on the available evidence, the clinical significance of this variant remains unclear.

Labcorp Genetics (formerly Invitae), Labcorp
Classification: Uncertain significance for Fanconi anemia. Last evaluated: 2022-03-01. Review status: criteria provided, single submitter. Criteria: Invitae Variant Classification Sherloc (09022015). Collection method: clinical testing. Allele origin: germline.
Comment: In summary, the available evidence is currently insufficient to determine the role of this variant in disease. Therefore, it has been classified as a Variant of Uncertain Significance. Algorithms developed to predict the effect of missense changes on protein structure and function (SIFT, PolyPhen-2, Align-GVGD) all suggest that this variant is likely to be tolerated. This variant has not been reported in the literature in individuals affected with FANCM-related conditions. This variant is not present in population databases (gnomAD no frequency). This sequence change replaces phenylalanine, which is neutral and non-polar, with leucine, which is neutral and non-polar, at codon 993 of the FANCM protein (p.Phe993Leu).

NM_020937.4(FANCM):c.2979T>G (p.Phe993Leu)

Gene: FANCM (FA complementation group M; plus strand). Cytogenetic location: 14q21.2.
Variant type: single nucleotide variant.
Coding change: c.2979T>G on transcript NM_020937.4 (MANE Select); coding-DNA position 2979, T replaced by G.
Protein change: p.Phe993Leu; replaces phenylalanine 993 with leucine.
Molecular consequence: missense variant.
Genome position (GRCh38, 1-based): chr14:45,175,733, T>G. VCF-style: chr14-45175733-T-G. GRCh37 (hg19) VCF-style: chr14-45644936-T-G.
Other names: c.2901T>G, p.Phe967Leu (NM_001308133.2); short protein forms F993L, F967L.
Identifiers: ClinVar variation 2096412 (VCV002096412.5), dbSNP rs2503185687, ClinGen allele CA389599605.